The following is an entry in ClinVar:

NM_000080.4(CHRNE):c.353G>A (p.Gly118Asp)

Genes: C17orf107 (chromosome 17 open reading frame 107; plus strand), CHRNE (cholinergic receptor nicotinic epsilon subunit; minus strand). Cytogenetic location: 17p13.2.
Variant type: single nucleotide variant.
Coding change: c.353G>A on transcript NM_000080.4 (MANE Select); coding-DNA position 353, G replaced by A.
Protein change: p.Gly118Asp; replaces glycine 118 with aspartic acid.
Molecular consequence: missense variant. On other transcripts: 3 prime UTR variant (1).
Genome position (GRCh38, 1-based): chr17:4,902,079, C>T on the plus strand (G>A on the coding strand, the complement: CHRNE is on the minus strand). VCF-style: chr17-4902079-C-T. GRCh37 (hg19) VCF-style: chr17-4805374-C-T.
Other names: c.*1546C>T (NM_001145536.2); short protein forms G118D.
Identifiers: ClinVar variation 1329475 (VCV001329475.3), dbSNP rs1555546986, ClinGen allele CA397306370.
Genomic context (GRCh38, chr17:4,902,079, plus strand): 5'-CACGTCACGGAGCCGCCCTCGTAGACGAGCACGTTGGCGTCGTAGGCCACTCCGAACTGG[C>T]CATCAATACTGTGGGCTCGGGGAAACCGAGCTTTTTGCACAGGTCTGCACCCTCTCAGAG-3'
Protein context (NP_000071.1, residues 108-128): PEIVLENNID[Gly118Asp]QFGVAYDANV

ClinVar aggregate classification (germline): Uncertain significance (1 of 4 stars; one submission).

Conditions:
Congenital myasthenic syndrome 4A. Also called: Myasthenic syndrome, congenital, 4a, slow-channel; MYASTHENIC SYNDROME, CONGENITAL, 4A, SLOW-CHANNEL, AUTOSOMAL RECESSIVE; CONGENITAL MYASTHENIC SYNDROME TYPE Ia1. Identifiers: Orphanet 590, MedGen C4225413, MONDO:0011600, OMIM 605809.

Allele frequency attached by ClinVar (database versions not stated): gnomAD exomes below 0.00001; gnomAD 0.00001.
gnomAD v4.1: 6 of 1,613,936 alleles (0.00037%); highest among the groups gnomAD compares: South Asian, 0.0044%; no homozygotes.

Submission:

Diagnostics Services (NGS), CSIR - Centre For Cellular And Molecular Biology
Classification: Uncertain significance for Congenital myasthenic syndrome 4A. Last evaluated: 2021-11-08. Review status: criteria provided, single submitter. Criteria: ACMG Guidelines, 2015. Collection method: clinical testing. Allele origin: unknown. Inheritance: Autosomal dominant inheritance. Affected: yes. Observed: 1 variant allele, 1 heterozygote.
Comment: The c.353G>A variant is not present in publicly available population databases like 1000 Genomes, Exome Variant Server (EVS), Exome Aggregation Consortium (ExAC), Genome Aggregation Database (gnomAD) and dbSNP. The variants are not present in Indian Exome Database and in our in-house exome database. The variant was not earlier reported to ClinVar, Human Genome Mutation Database (HGMD) and/or OMIM databases in any affected individuals. In-silico pathogenicity prediction programs like SIFT, PolyPhen-2, MutationTaster2, CADD, InterVar etc. predicted this variant to be likely disease causing. Varsome predicted this variant as VUS with minor pathogenic evidence but these predictions have not been confirmed by published functional studies and it's clinical significance is uncertain.